The following is an entry in ClinVar:

NM_006070.6(TFG):c.484G>A (p.Ala162Thr)

Gene: TFG (trafficking from ER to golgi regulator; plus strand). Cytogenetic location: 3q12.2.
Variant type: single nucleotide variant.
Coding change: c.484G>A on transcript NM_006070.6 (MANE Select); coding-DNA position 484, G replaced by A.
Protein change: p.Ala162Thr; replaces alanine 162 with threonine.
Molecular consequence: missense variant.
Genome position (GRCh38, 1-based): chr3:100,732,576, G>A. VCF-style: chr3-100732576-G-A. GRCh37 (hg19) VCF-style: chr3-100451420-G-A.
Other names: c.484G>A, p.Ala162Thr (NM_001007565.2, NM_001195478.2, NM_001195479.2); short protein forms A162T.
Identifiers: ClinVar variation 858796 (VCV000858796.9), dbSNP rs1346466403, ClinGen allele CA353845017.

ClinVar aggregate classification (germline): Uncertain significance (1 of 4 stars; one submission).

Conditions:
Hereditary motor and sensory neuropathy, Okinawa type (HMSNO). Also called: HEREDITARY MOTOR AND SENSORY NEUROPATHY, PROXIMAL TYPE. Identifiers: Orphanet 90117, MedGen C1858338, MONDO:0011468, OMIM 604484.
Hereditary spastic paraplegia 57. Also called: Spastic paraplegia 57, autosomal recessive. Identifiers: Orphanet 431329, MedGen C3714897, MONDO:0014295, OMIM 615658.

Allele frequency attached by ClinVar (database versions not stated): TOPMed below 0.00001; gnomAD exomes 0.00001.
gnomAD v4.1: 5 of 1,612,826 alleles (0.00031%); highest among the groups gnomAD compares: South Asian, 0.0033%; no homozygotes.

Submission:

Labcorp Genetics (formerly Invitae), Labcorp
Classification: Uncertain significance for Hereditary motor and sensory neuropathy, Okinawa type; Hereditary spastic paraplegia 57. Last evaluated: 2022-09-07. Review status: criteria provided, single submitter. Criteria: Invitae Variant Classification Sherloc (09022015). Collection method: clinical testing. Allele origin: germline.
Comment: In summary, the available evidence is currently insufficient to determine the role of this variant in disease. Therefore, it has been classified as a Variant of Uncertain Significance. Algorithms developed to predict the effect of missense changes on protein structure and function are either unavailable or do not agree on the potential impact of this missense change (SIFT: "Deleterious"; PolyPhen-2: "Benign"; Align-GVGD: "Class C0"). ClinVar contains an entry for this variant (Variation ID: 858796). This variant has not been reported in the literature in individuals affected with TFG-related conditions. This variant is present in population databases (no rsID available, gnomAD 0.007%). This sequence change replaces alanine, which is neutral and non-polar, with threonine, which is neutral and polar, at codon 162 of the TFG protein (p.Ala162Thr).